The following is an entry in ClinVar:

NM_001163809.2(WDR81):c.1404C>T (p.Arg468=)

Gene: WDR81 (WD repeat domain 81; plus strand). Cytogenetic location: 17p13.3.
Variant type: single nucleotide variant.
Coding change: c.1404C>T on transcript NM_001163809.2 (MANE Select); coding-DNA position 1404, C replaced by T.
Protein change: p.Arg468=; no amino-acid change (arginine 468 retained).
Molecular consequence: synonymous variant. On other transcripts: intron variant (3).
Genome position (GRCh38, 1-based): chr17:1,726,363, C>T. VCF-style: chr17-1726363-C-T. GRCh37 (hg19) VCF-style: chr17-1629657-C-T.
Other names: c.-123-1627C>T (NM_152348.4); c.59-4017C>T (NM_001163673.2); c.-15+1577C>T (NM_001163811.2).
Identifiers: ClinVar variation 808185 (VCV000808185.42), dbSNP rs563017159, ClinGen allele CA8273049.

ClinVar aggregate classification (germline): Likely benign (1 of 4 stars; one submission).

Allele frequency attached by ClinVar (database versions not stated): gnomAD exomes 0.00003; TOPMed 0.00007; gnomAD 0.00009 and 0.00012; ExAC 0.00011; 1000 Genomes Project 0.00100; 1000 Genomes Project 30x 0.00109.
gnomAD v4.1: 56 of 1,548,962 alleles (0.0036%); highest among the groups gnomAD compares: Admixed American, 0.096%; 2 homozygotes.

Submission:

CeGaT Center for Human Genetics Tuebingen
Classification: Likely benign. Last evaluated: 2026-09-01. Review status: criteria provided, single submitter. Criteria: CeGaT Center For Human Genetics Tuebingen Variant Classification Criteria Version 2. Collection method: clinical testing. Allele origin: germline. Affected: yes. Observed: 2 variant alleles.
Comment: WDR81: BP4, BP7